The following is an entry in ClinVar:

ClinVar aggregate classification (germline): Uncertain significance (1 of 4 stars; one submission).

Conditions:
Cardiovascular phenotype. Identifiers: MedGen CN230736.

Submission:

Ambry Genetics
Classification: Uncertain significance for Cardiovascular phenotype. Last evaluated: 2025-09-25. Review status: criteria provided, single submitter. Criteria: Ambry Variant Classification Scheme 2023. Collection method: clinical testing. Allele origin: germline.
Comment: The p.F65V variant (also known as c.193T>G), located in coding exon 1 of the GATAD1 gene, results from a T to G substitution at nucleotide position 193. The phenylalanine at codon 65 is replaced by valine, an amino acid with highly similar properties. This amino acid position is conserved. In addition, the in silico prediction for this alteration is inconclusive. Based on the available evidence, the clinical significance of this variant remains unclear.

NM_021167.5(GATAD1):c.193T>G (p.Phe65Val)

Genes: GATAD1 (GATA zinc finger domain containing 1; plus strand), LOC129998793 (ATAC-STARR-seq lymphoblastoid silent region 18371; plus strand). Cytogenetic location: 7q21.2.
Variant type: single nucleotide variant.
Coding change: c.193T>G on transcript NM_021167.5 (MANE Select); coding-DNA position 193, T replaced by G.
Protein change: p.Phe65Val; replaces phenylalanine 65 with valine.
Molecular consequence: missense variant. On other transcripts: non-coding transcript variant (1).
Genome position (GRCh38, 1-based): chr7:92,447,922, T>G. VCF-style: chr7-92447922-T-G. GRCh37 (hg19) VCF-style: chr7-92077236-T-G.
Other names: short protein forms F65V.
Identifiers: ClinVar variation 4614241 (VCV004614241.1).